The following is an entry in ClinVar:

ClinVar aggregate classification (germline): Likely pathogenic (1 of 4 stars; one submission).

Conditions:
Autosomal recessive limb-girdle muscular dystrophy type 2J (LGMDR10). Also called: Limb-girdle muscular dystrophy, type 2J; MUSCULAR DYSTROPHY, LIMB-GIRDLE, AUTOSOMAL RECESSIVE 10. Identifiers: Orphanet 140922, MedGen C1837342, MONDO:0012127, OMIM 608807.
Dilated cardiomyopathy 1G (CMD1G). Identifiers: Orphanet 154, MedGen C1858763, MONDO:0011400, OMIM 604145.

Submission:

Labcorp Genetics (formerly Invitae), Labcorp
Classification: Likely pathogenic for Dilated cardiomyopathy 1G; Autosomal recessive limb-girdle muscular dystrophy type 2J. Last evaluated: 2024-08-31. Review status: criteria provided, single submitter. Criteria: Invitae Variant Classification Sherloc (09022015). Collection method: clinical testing. Allele origin: germline.
Comment: This sequence change creates a premature translational stop signal (p.Lys20768*) in the TTN gene. While this is not anticipated to result in nonsense mediated decay, it is expected to create a truncated TTN protein. This variant is not present in population databases (gnomAD no frequency). This variant has not been reported in the literature in individuals affected with TTN-related conditions. This variant is located in the A band of TTN (PMID: 25589632). Truncating variants in this region are significantly overrepresented in patients affected with dilated cardiomyopathy (PMID: 25589632). Truncating variants in this region have also been reported in individuals affected with autosomal recessive centronuclear myopathy (PMID: 23975875). In summary, the currently available evidence indicates that the variant is pathogenic, but additional data are needed to prove that conclusively. Therefore, this variant has been classified as Likely Pathogenic.

Literature cited by the submitters: PubMed 25589632; PubMed 23975875.

NM_001267550.2(TTN):c.62302A>T (p.Lys20768Ter)

Genes: TTN-AS1 (TTN antisense RNA 1; plus strand), TTN (titin; minus strand). Cytogenetic location: 2q31.2.
Variant type: single nucleotide variant.
Coding change: c.62302A>T on transcript NM_001267550.2 (MANE Select); coding-DNA position 62302, A replaced by T.
Protein change: p.Lys20768Ter; replaces lysine 20768 with a stop codon.
Molecular consequence: nonsense.
Genome position (GRCh38, 1-based): chr2:178,589,423, T>A on the plus strand (A>T on the coding strand, the complement: TTN is on the minus strand). VCF-style: chr2-178589423-T-A. GRCh37 (hg19) VCF-style: chr2-179454150-T-A.
Other names: c.57379A>T, p.Lys19127Ter (NM_001256850.1); c.35107A>T, p.Lys11703Ter (NM_003319.4); c.54598A>T, p.Lys18200Ter (NM_133378.4); c.35482A>T, p.Lys11828Ter (NM_133432.3); c.35683A>T, p.Lys11895Ter (NM_133437.4); short protein forms K11703*, K11828*, K20768*, K11895*, K18200*, K19127*.
Identifiers: ClinVar variation 2952917 (VCV002952917.3), dbSNP rs2469392477, ClinGen allele CA349465237.